The following is an entry in ClinVar:

NM_014975.3(MAST1):c.2431C>A (p.Gln811Lys)

Genes: MAST1 (microtubule associated serine/threonine kinase 1; plus strand), LOC112543452 (Sharpr-MPRA regulatory region 6054; plus strand). Cytogenetic location: 19p13.13.
Variant type: single nucleotide variant.
Coding change: c.2431C>A on transcript NM_014975.3 (MANE Select); coding-DNA position 2431, C replaced by A.
Protein change: p.Gln811Lys; replaces glutamine 811 with lysine.
Molecular consequence: missense variant.
Genome position (GRCh38, 1-based): chr19:12,867,842, C>A. VCF-style: chr19-12867842-C-A. GRCh37 (hg19) VCF-style: chr19-12978656-C-A.
Other names: short protein forms Q811K.
Identifiers: ClinVar variation 4990735 (VCV004990735.1).

ClinVar aggregate classification (germline): Uncertain significance (1 of 4 stars; one submission).

Conditions:
MAST1-related disorder. Also called: MAST1-related condition.

gnomAD v4.1: 1 of 1,604,116 alleles (0.000062%); highest among the groups gnomAD compares: East Asian, 0.0023%; no homozygotes.

Submission:

PreventionGenetics, part of Exact Sciences
Classification: Uncertain significance for MAST1-related condition. Last evaluated: 2026-05-06. Review status: criteria provided, single submitter. Criteria: ACMG Guidelines, 2015. Collection method: clinical testing. Allele origin: germline.
Comment: The MAST1 c.2431C>A variant is predicted to result in the amino acid substitution p.Gln811Lys. To our knowledge, this variant has not been reported in the literature or in a large population database (gnomAD), indicating this variant is rare. At this time, the clinical significance of this variant is uncertain due to the absence of conclusive functional and genetic evidence.